The following is an entry in ClinVar:

ClinVar aggregate classification (germline): Conflicting classifications of pathogenicity. Review status: criteria provided, conflicting classifications (1 of 4 stars). 9 submissions from 9 submitters: Uncertain significance (3); Likely benign (6). Last evaluated 2026-01-27.

Conditions:
Osteogenesis imperfecta type I (OI1). Also called: Lobstein's Disease; OI, TYPE I; OSTEOGENESIS IMPERFECTA TARDA; OSTEOGENESIS IMPERFECTA WITH BLUE SCLERAE; Lobstein disease; Osteogenesis imperfecta type 1. Identifiers: Orphanet 216796, Orphanet 666, MedGen C0023931, MONDO:0008146, OMIM 166200. Disease mechanism: loss of function.
Cardiovascular phenotype. Identifiers: MedGen CN230736.
COL1A1-related disorder. Also called: COL1A1-related condition; COL1A1- related disease.

Allele frequency attached by ClinVar (database versions not stated): ExAC 0.00007; gnomAD exomes 0.00008 and 0.00015; TOPMed 0.00010; gnomAD 0.00013 and 0.00014; ESP Exome Variant Server 0.00031.
gnomAD v4.1: 240 of 1,613,124 alleles (0.015%); highest among the groups gnomAD compares: Non-Finnish European, 0.019%; no homozygotes.

Submissions (9):

Labcorp Genetics (formerly Invitae), Labcorp
Classification: Likely benign for Osteogenesis imperfecta type I. Last evaluated: 2026-01-27. Review status: criteria provided, single submitter. Criteria: Invitae Variant Classification Sherloc (09022015). Collection method: clinical testing. Allele origin: germline.

PreventionGenetics, part of Exact Sciences
Classification: Uncertain significance for COL1A1-related condition. Last evaluated: 2025-12-16. Review status: criteria provided, single submitter. Criteria: ACMG Guidelines, 2015. Collection method: clinical testing. Allele origin: germline.
Comment: The COL1A1 c.2944C>A variant is predicted to result in the amino acid substitution p.Pro982Thr. This variant has been reported in an individual with Ehlers-Danlos syndrome (Wilson. 2019. doi: 10.4236/jbm.2019.712015). This variant is reported in 0.014% of alleles in individuals of European (non-Finnish) descent in gnomAD. Although we suspect that this variant may be benign, at this time, the clinical significance of this variant is uncertain due to the absence of conclusive functional and genetic evidence.

CeGaT Center for Human Genetics Tuebingen
Classification: Likely benign. Last evaluated: 2025-12-01. Review status: criteria provided, single submitter. Criteria: CeGaT Center For Human Genetics Tuebingen Variant Classification Criteria Version 2. Collection method: clinical testing. Allele origin: germline. Affected: yes. Observed: 1 variant allele.
Comment: COL1A1: BS2

Women's Health and Genetics/Laboratory Corporation of America, LabCorp
Classification: Likely benign. Last evaluated: 2025-09-09. Review status: criteria provided, single submitter. Criteria: LabCorp Variant Classification Summary - May 2015. Collection method: clinical testing. Allele origin: germline.
Comment: Variant summary: COL1A1 c.2944C>A (p.Pro982Thr) results in a non-conservative amino acid change in the encoded protein sequence. Algorithms developed to predict the effect of missense changes on protein structure and function all suggest that this variant is likely to be disruptive. The variant allele was found at a frequency of 7.6e-05 in 251218 control chromosomes. The observed variant frequency exceeds the estimated maximal expected allele frequency for disease-causing variants in COL1A1. To our knowledge, no occurrence of c.2944C>A in individuals affected with COL1A1-related conditions and no experimental evidence demonstrating its impact on protein function have been reported. ClinVar contains an entry for this variant (Variation ID: 388368). Based on the evidence outlined above, the variant was classified as likely benign.

Ambry Genetics
Classification: Likely benign for Cardiovascular phenotype. Last evaluated: 2025-06-07. Review status: criteria provided, single submitter. Criteria: Ambry Variant Classification Scheme 2023. Collection method: clinical testing. Allele origin: germline.

Molecular Diagnostic Laboratory for Inherited Cardiovascular Disease, Montreal Heart Institute
Classification: Likely benign. Last evaluated: 2025-04-09. Review status: criteria provided, single submitter. Criteria: ACMG Guidelines, 2015. Collection method: clinical testing. Allele origin: germline. Affected: no.
Comment: BS1, BP4

GeneDx
Classification: Uncertain significance. Last evaluated: 2025-02-20. Review status: criteria provided, single submitter. Criteria: GeneDx Variant Classification Process June 2021. Collection method: clinical testing. Allele origin: germline. Affected: yes.
Comment: Identified in a patient with EDS and Arthritis-Adrenaline disorder, however this patient also harbored additional cardiogenetic variants (PMID: 2989571); In silico analysis supports that this missense variant has a deleterious effect on protein structure/function; Occurs in the triple helical domain at the Y position in the canonical Gly-X-Y repeat; although this variant may have an effect on normal protein folding and function, missense substitution at the Y position is not a common mechanism of disease (HGMD); This variant is associated with the following publications: (PMID: Wilson2019[Article])

Blueprint Genetics
Classification: Likely benign. Last evaluated: 2024-05-16. Review status: criteria provided, single submitter. Criteria: ACMG Guidelines, 2015. Collection method: clinical testing. Allele origin: germline.

Mayo Clinic Laboratories, Mayo Clinic
Classification: Uncertain significance. Last evaluated: 2023-03-31. Review status: criteria provided, single submitter. Criteria: ACMG Guidelines, 2015. Collection method: clinical testing. Allele origin: germline. Observed: 2 variant alleles.
Comment: BS1, PP2

NM_000088.4(COL1A1):c.2944C>A (p.Pro982Thr)

Gene: COL1A1 (collagen type I alpha 1 chain; minus strand). Cytogenetic location: 17q21.33.
Variant type: single nucleotide variant.
Coding change: c.2944C>A on transcript NM_000088.4 (MANE Select); coding-DNA position 2944, C replaced by A.
Protein change: p.Pro982Thr; replaces proline 982 with threonine.
Molecular consequence: missense variant.
Genome position (GRCh38, 1-based): chr17:50,189,004, G>T on the plus strand (C>A on the coding strand, the complement: COL1A1 is on the minus strand). VCF-style: chr17-50189004-G-T. GRCh37 (hg19) VCF-style: chr17-48266365-G-T.
Other names: p.Pro982Thr; short protein forms P982T.
Identifiers: ClinVar variation 388368 (VCV000388368.35), dbSNP rs141117382, ClinGen allele CA8644629.
Genomic context (GRCh38, chr17:50,189,004, plus strand): 5'-GGCCCATGGGACCAGGGGGACCACGTTCACCACTTGCTCCAGAGGGACCTTGTTTGCCAG[G>T]TTCACCCTAAGGGAGAAGAAAGAGTCAGGCCAGAGATAGGGTCTGGGAGGACCCTTGAGT-3'
Protein context (NP_000079.2, residues 972-992): FPGLPGPSGE[Pro982Thr]GKQGPSGASG